The following is an entry in ClinVar:

NM_012210.4(TRIM32):c.1115A>G (p.Asn372Ser)

Genes: ASTN2 (astrotactin 2; minus strand), TRIM32 (tripartite motif containing 32; plus strand). Cytogenetic location: 9q33.1.
Variant type: single nucleotide variant.
Coding change: c.1115A>G on transcript NM_012210.4 (MANE Select); coding-DNA position 1115, A replaced by G.
Protein change: p.Asn372Ser; replaces asparagine 372 with serine.
Molecular consequence: missense variant. On other transcripts: intron variant (3).
Genome position (GRCh38, 1-based): chr9:116,698,857, A>G. VCF-style: chr9-116698857-A-G. GRCh37 (hg19) VCF-style: chr9-119461136-A-G.
Other names: c.1115A>G, p.Asn372Ser (NM_001099679.2, NM_001379048.1, NM_001379049.1 and 1 more transcripts); c.2653+26914T>C (NM_014010.5); c.2794+26914T>C (NM_001365069.1); c.2806+26914T>C (NM_001365068.1); short protein forms N372S.
Identifiers: ClinVar variation 1473156 (VCV001473156.6), dbSNP rs781488306, ClinGen allele CA198770523.

ClinVar aggregate classification (germline): Uncertain significance. Review status: criteria provided, multiple submitters, no conflicts (2 of 4 stars). 3 submissions from 3 submitters: Uncertain significance (3). Last evaluated 2026-06-16.

Conditions:
TRIM32-related disorder. Also called: TRIM32-related condition.
Sarcotubular myopathy (LGMDR8). Also called: Hutterite type of muscular dystrophy; MUSCULAR DYSTROPHY, LIMB-GIRDLE, AUTOSOMAL RECESSIVE 8; Limb-girdle muscular dystrophy, type 2H; Autosomal recessive limb-girdle muscular dystrophy type 2H. Identifiers: Orphanet 1878, MedGen C0270968, MONDO:0009683, OMIM 254110.
Bardet-Biedl syndrome 11 (BBS11). Identifiers: Orphanet 110, MedGen C1859569, MONDO:0014439, OMIM 615988.
Bardet-Biedl syndrome (BBS). Identifiers: Orphanet 110, MedGen C0752166, MONDO:0015229.

Allele frequency attached by ClinVar (database versions not stated): gnomAD 0.00001; gnomAD exomes 0.00001; TOPMed 0.00002.
gnomAD v4.1: 14 of 1,614,118 alleles (0.00087%); highest among the groups gnomAD compares: African/African-American, 0.0067%; no homozygotes.

Submissions (3):

PreventionGenetics, part of Exact Sciences
Classification: Uncertain significance for TRIM32-related condition. Last evaluated: 2026-06-16. Review status: criteria provided, single submitter. Criteria: ACMG Guidelines, 2015. Collection method: clinical testing. Allele origin: germline.
Comment: The TRIM32 c.1115A>G variant is predicted to result in the amino acid substitution p.Asn372Ser. To our knowledge, this variant has not been reported in the literature. This variant is reported in 0.0080% of alleles in individuals of African descent in gnomAD. At this time, the clinical significance of this variant is uncertain due to the absence of conclusive functional and genetic evidence.

Fulgent Genetics
Classification: Uncertain significance for Sarcotubular myopathy; Bardet-Biedl syndrome 11. Last evaluated: 2021-11-03. Review status: criteria provided, single submitter. Criteria: ACMG Guidelines, 2015. Collection method: clinical testing. Allele origin: unknown.

Labcorp Genetics (formerly Invitae), Labcorp
Classification: Uncertain significance for Bardet-Biedl syndrome. Last evaluated: 2021-07-30. Review status: criteria provided, single submitter. Criteria: Invitae Variant Classification Sherloc (09022015). Collection method: clinical testing. Allele origin: germline.
Comment: This sequence change replaces asparagine with serine at codon 372 of the TRIM32 protein (p.Asn372Ser). The asparagine residue is highly conserved and there is a small physicochemical difference between asparagine and serine. This variant is not present in population databases (ExAC no frequency). This variant has not been reported in the literature in individuals affected with TRIM32-related conditions. Algorithms developed to predict the effect of missense changes on protein structure and function (SIFT, PolyPhen-2, Align-GVGD) all suggest that this variant is likely to be disruptive. In summary, the available evidence is currently insufficient to determine the role of this variant in disease. Therefore, it has been classified as a Variant of Uncertain Significance.